The following is an entry in ClinVar:

NM_000245.4(MET):c.299A>G (p.Asp100Gly)

Gene: MET (MET proto-oncogene, receptor tyrosine kinase; plus strand). Cytogenetic location: 7q31.2.
Variant type: single nucleotide variant.
Coding change: c.299A>G on transcript NM_000245.4 (MANE Select); coding-DNA position 299, A replaced by G.
Protein change: p.Asp100Gly; replaces aspartic acid 100 with glycine.
Molecular consequence: missense variant. On other transcripts: intron variant (1).
Genome position (GRCh38, 1-based): chr7:116,699,383, A>G. VCF-style: chr7-116699383-A-G. GRCh37 (hg19) VCF-style: chr7-116339437-A-G.
Other names: c.299A>G, p.Asp100Gly (NM_001127500.3, NM_001324401.3); c.-91+26806A>G (NM_001324402.2); short protein forms D100G.
Identifiers: ClinVar variation 857660 (VCV000857660.10), dbSNP rs1791473592, ClinGen allele CA368968769.

ClinVar aggregate classification (germline): Uncertain significance (1 of 4 stars; one submission).

Conditions:
Renal cell carcinoma. Identifiers: Orphanet 217071, MedGen C0007134, MeSH D002292, MONDO:0005086, HP:0005584.

Submission:

Labcorp Genetics (formerly Invitae), Labcorp
Classification: Uncertain significance for Renal cell carcinoma. Last evaluated: 2019-12-22. Review status: criteria provided, single submitter. Criteria: Invitae Variant Classification Sherloc (09022015). Collection method: clinical testing. Allele origin: germline.
Comment: In summary, the available evidence is currently insufficient to determine the role of this variant in disease. Therefore, it has been classified as a Variant of Uncertain Significance. Algorithms developed to predict the effect of missense changes on protein structure and function (SIFT, PolyPhen-2, Align-GVGD) all suggest that this variant is likely to be tolerated, but these predictions have not been confirmed by published functional studies and their clinical significance is uncertain. This variant has not been reported in the literature in individuals with MET-related conditions. This variant is not present in population databases (ExAC no frequency). This sequence change replaces aspartic acid with glycine at codon 100 of the MET protein (p.Asp100Gly). The aspartic acid residue is moderately conserved and there is a moderate physicochemical difference between aspartic acid and glycine.